The following is an entry in ClinVar:

ClinVar aggregate classification (germline): Conflicting classifications of pathogenicity. Review status: criteria provided, conflicting classifications (1 of 4 stars). 4 submissions from 4 submitters: Uncertain significance (2); Likely benign (1). 1 of the submissions does not count toward it. Last evaluated 2025-05-11.

Conditions:
Hereditary cancer-predisposing syndrome. Also called: Tumor predisposition; Neoplastic Syndromes, Hereditary; Hereditary Cancer Syndrome; Hereditary neoplastic syndrome. Identifiers: Orphanet 140162, MedGen C0027672, MeSH D009386, MONDO:0015356.
Hereditary breast ovarian cancer syndrome. Also called: Hereditary breast and ovarian cancer syndrome (HBOC); Hereditary breast and ovarian cancer syndrome; Hereditary breast and ovarian cancer; Hereditary breast and/or ovarian cancer syndrome; Breast and ovarian cancer; BRCA1- and BRCA2-Associated Hereditary Breast and Ovarian Cancer. Identifiers: Orphanet 145, MedGen C0677776, MeSH D061325, MONDO:0003582. Disease mechanism: loss of function.
Breast-ovarian cancer, familial, susceptibility to, 1 (BROVCA1). Also called: OVARIAN CANCER, SUSCEPTIBILITY TO; BRCA1 Hereditary Breast and Ovarian Cancer. Identifiers: Orphanet 145, MedGen C2676676, MONDO:0011450, OMIM 604370. Disease mechanism: loss of function.

Allele frequency attached by ClinVar (database versions not stated): gnomAD exomes below 0.00001; TOPMed below 0.00001.
gnomAD v4.1: 1 of 1,613,854 alleles (0.000062%); highest among the groups gnomAD compares: Non-Finnish European, 0.000085%; no homozygotes.

Submissions (4):

Ambry Genetics
Classification: Uncertain significance for Hereditary cancer-predisposing syndrome. Last evaluated: 2025-05-11. Review status: criteria provided, single submitter. Criteria: Ambry Variant Classification Scheme 2023. Collection method: clinical testing. Allele origin: germline.
Comment: The p.G828S variant (also known as c.2482G>A), located in coding exon 9 of the BRCA1 gene, results from a G to A substitution at nucleotide position 2482. The glycine at codon 828 is replaced by serine, an amino acid with similar properties. This amino acid position is not well conserved in available vertebrate species. In addition, the in silico prediction for this alteration is inconclusive. Since supporting evidence is limited at this time, the clinical significance of this alteration remains unclear.

Labcorp Genetics (formerly Invitae), Labcorp
Classification: Uncertain significance for Hereditary breast ovarian cancer syndrome. Last evaluated: 2023-07-07. Review status: criteria provided, single submitter. Criteria: Invitae Variant Classification Sherloc (09022015). Collection method: clinical testing. Allele origin: germline.
Comment: This missense change has been observed in individual(s) with BRCA1-related conditions (PMID: 10923033). In summary, the available evidence is currently insufficient to determine the role of this variant in disease. Therefore, it has been classified as a Variant of Uncertain Significance. Advanced modeling of protein sequence and biophysical properties (such as structural, functional, and spatial information, amino acid conservation, physicochemical variation, residue mobility, and thermodynamic stability) performed at Invitae indicates that this missense variant is not expected to disrupt BRCA1 protein function. ClinVar contains an entry for this variant (Variation ID: 54581). This variant is not present in population databases (gnomAD no frequency). This sequence change replaces glycine, which is neutral and non-polar, with serine, which is neutral and polar, at codon 828 of the BRCA1 protein (p.Gly828Ser).

University of Washington Department of Laboratory Medicine, University of Washington
Classification: Likely benign for Hereditary cancer-predisposing syndrome. Last evaluated: 2023-03-23. Review status: criteria provided, single submitter. Criteria: Dines et al. (Genet Med. 2020). Collection method: curation. Allele origin: germline.
Comment: Missense variant in a coldspot region where missense variants are very unlikely to be pathogenic (PMID:31911673).

BRCA1 coldspot (exon 11 using historical exon numbering). Reclassification based on statistical prior probability

Breast Cancer Information Core (BIC) (BRCA1)
Classification: Uncertain significance for Breast-ovarian cancer, familial 1. Last evaluated: 2004-02-20. Review status: no assertion criteria provided. Collection method: clinical testing. Allele origin: germline. Affected: yes. Observed: 2 variant alleles. Not counted in ClinVar's aggregate classification.

Literature cited by the submitters: PubMed 10923033 (cited by Labcorp Genetics (formerly Invitae), Labcorp).

NM_007294.4(BRCA1):c.2482G>A (p.Gly828Ser)

Gene: BRCA1 (BRCA1 DNA repair associated; minus strand). Cytogenetic location: 17q21.31.
Variant type: single nucleotide variant.
Coding change: c.2482G>A on transcript NM_007294.4 (MANE Select); coding-DNA position 2482, G replaced by A.
Protein change: p.Gly828Ser; replaces glycine 828 with serine.
Molecular consequence: missense variant. On other transcripts: intron variant (137).
Genome position (GRCh38, 1-based): chr17:43,093,049, C>T on the plus strand (G>A on the coding strand, the complement: BRCA1 is on the minus strand). VCF-style: chr17-43093049-C-T. GRCh37 (hg19) VCF-style: chr17-41245066-C-T.
Other names: c.2269G>A, p.Gly757Ser (NM_001407571.1, NM_001407853.1, NM_001407894.1 and 9 more transcripts); c.2482G>A, p.Gly828Ser (NM_001407581.1, NM_001407582.1, NM_001407583.1 and 30 more transcripts); c.2479G>A, p.Gly827Ser (NM_001407587.1, NM_001407590.1, NM_001407591.1 and 22 more transcripts); c.2473G>A, p.Gly825Ser (NM_001407646.1, NM_001407647.1); c.2359G>A, p.Gly787Ser (NM_001407648.1, NM_001407664.1, NM_001407665.1 and 19 more transcripts); c.2356G>A, p.Gly786Ser (NM_001407649.1, NM_001407670.1, NM_001407671.1 and 11 more transcripts); c.2404G>A, p.Gly802Ser (NM_001407653.1, NM_001407654.1, NM_001407655.1 and 4 more transcripts); c.2401G>A, p.Gly801Ser (NM_001407659.1, NM_001407660.1, NM_001407661.1 and 1 more transcripts); and 41 more; short protein forms G828S, G781S, G761S, G786S, G701S, G716S, G717S, G740S.
Identifiers: ClinVar variation 54581 (VCV000054581.19), dbSNP rs80357185, ClinGen allele CA001653.
Genomic context (GRCh38, chr17:43,093,049, plus strand): 5'-CCATTTCTATGCTTGTTTCCCGACTGTGGTTAACTTCATGTCCCAATGGATACTTAAAGC[C>T]TTCTGTGTCATTTCTATTATCTTTGGAACAACCATGAATTAGTCCCTTGGGGTTTTCAAA-3'
Protein context (NP_009225.1, residues 818-838): CSKDNRNDTE[Gly828Ser]FKYPLGHEVN